The following is an entry in ClinVar:

NM_004304.5(ALK):c.442G>C (p.Glu148Gln)

Gene: ALK (ALK receptor tyrosine kinase; minus strand). Cytogenetic location: 2p23.1.
Variant type: single nucleotide variant.
Coding change: c.442G>C on transcript NM_004304.5 (MANE Select); coding-DNA position 442, G replaced by C.
Protein change: p.Glu148Gln; replaces glutamic acid 148 with glutamine.
Molecular consequence: missense variant.
Genome position (GRCh38, 1-based): chr2:29,920,218, C>G on the plus strand (G>C on the coding strand, the complement: ALK is on the minus strand). VCF-style: chr2-29920218-C-G. GRCh37 (hg19) VCF-style: chr2-30143084-C-G.
Other names: short protein forms E148Q.
Identifiers: ClinVar variation 5034972 (VCV005034972.1).
Genomic context (GRCh38, chr2:29,920,218, plus strand): 5'-ACTGGAGCAGCCCCACAGCCGCCTCCCCGGGGGGCCCGACGCAACCCTCCAAGATCGCCT[C>G]CTCGCCCAGCTCCAGCACCAACTGCTTGGCACGCCGGAGCTTGCGCACGGAGCCGCCCTT-3'
Protein context (NP_004295.2, residues 138-158): AKQLVLELGE[Glu148Gln]AILEGCVGPP

ClinVar aggregate classification (germline): Uncertain significance (1 of 4 stars; one submission).

Conditions:
Hereditary cancer-predisposing syndrome. Also called: Hereditary Cancer Syndrome; Neoplastic Syndromes, Hereditary; Tumor predisposition; Hereditary neoplastic syndrome. Identifiers: Orphanet 140162, MedGen C0027672, MeSH D009386, MONDO:0015356.

Submission:

Ambry Genetics
Classification: Uncertain significance for Hereditary cancer-predisposing syndrome. Last evaluated: 2026-06-15. Review status: criteria provided, single submitter. Criteria: Ambry Variant Classification Scheme 2023. Collection method: clinical testing. Allele origin: germline.
Comment: The p.E148Q variant (also known as c.442G>C), located in coding exon 1 of the ALK gene, results from a G to C substitution at nucleotide position 442. The glutamic acid at codon 148 is replaced by glutamine, an amino acid with highly similar properties. This amino acid position is conserved. In addition, this alteration is predicted to be tolerated by in silico analysis. Based on the available evidence, the clinical significance of this variant remains unclear.